The following is an entry in ClinVar:

ClinVar aggregate classification (germline): Likely benign. Review status: criteria provided, multiple submitters, no conflicts (2 of 4 stars). 2 submissions from 2 submitters: Likely benign (2). Last evaluated 2023-03-01.

Allele frequency attached by ClinVar (database versions not stated): gnomAD exomes 0.00001; ExAC 0.00002.
gnomAD v4.1: 8 of 1,613,760 alleles (0.0005%); highest among the groups gnomAD compares: Non-Finnish European, 0.00059%; no homozygotes.

Submissions (2):

CeGaT Center for Human Genetics Tuebingen
Classification: Likely benign. Last evaluated: 2023-03-01. Review status: criteria provided, single submitter. Criteria: CeGaT Center For Human Genetics Tuebingen Variant Classification Criteria Version 2. Collection method: clinical testing. Allele origin: germline. Affected: yes. Observed: 1 variant allele.
Comment: RTTN: BP4, BP7

Labcorp Genetics (formerly Invitae), Labcorp
Classification: Likely benign. Last evaluated: 2023-01-10. Review status: criteria provided, single submitter. Criteria: Invitae Variant Classification Sherloc (09022015). Collection method: clinical testing. Allele origin: germline.

NM_173630.4(RTTN):c.6624A>G (p.Leu2208=)

Gene: RTTN (rotatin; minus strand). Cytogenetic location: 18q22.2.
Variant type: single nucleotide variant.
Coding change: c.6624A>G on transcript NM_173630.4 (MANE Select); coding-DNA position 6624, A replaced by G.
Protein change: p.Leu2208=; no amino-acid change (leucine 2208 retained).
Molecular consequence: synonymous variant.
Genome position (GRCh38, 1-based): chr18:70,004,208, T>C on the plus strand (A>G on the coding strand, the complement: RTTN is on the minus strand). VCF-style: chr18-70004208-T-C. GRCh37 (hg19) VCF-style: chr18-67671444-T-C.
Other names: c.3888A>G, p.Leu1296= (NM_001318520.2).
Identifiers: ClinVar variation 2498745 (VCV002498745.31), dbSNP rs780869363, ClinGen allele CA8994598.
Genomic context (GRCh38, chr18:70,004,208, plus strand): 5'-CACTCAGGAAGAATTAAGGAGCTGCACGAGGTTTTCAAGACATTTCAAATAATAGGCATT[T>C]AGAGGGTTTGCTTCTGAGTTTGGGAAAGCTGAGATAGAAAAATAAGAGTACAGAAATACT-3'
Protein context (NP_775901.3, residues 2198-2218): KTFPNSEANP[Leu2208=]NAYYLKCLEN